The following is an entry in ClinVar:

NM_015629.4(PRPF31):c.1073+21G>A

Gene: PRPF31 (pre-mRNA processing factor 31; plus strand). Cytogenetic location: 19q13.42.
Variant type: single nucleotide variant.
Coding change: c.1073+21G>A on transcript NM_015629.4 (MANE Select); 21 bases into the intron after coding-DNA position 1073, G replaced by A.
Molecular consequence: intron variant.
Genome position (GRCh38, 1-based): chr19:54,128,221, G>A. VCF-style: chr19-54128221-G-A. GRCh37 (hg19) VCF-style: chr19-54631596-G-A.
Identifiers: ClinVar variation 4978382 (VCV004978382.1).

ClinVar aggregate classification (germline): Likely benign (1 of 4 stars; one submission).

Conditions:
PRPF31-related disorder. Also called: PRPF31-related condition.

gnomAD v4.1: 39 of 1,568,022 alleles (0.0025%); highest among the groups gnomAD compares: Non-Finnish European, 0.003%; no homozygotes.

Submission:

PreventionGenetics, part of Exact Sciences
Classification: Likely benign for PRPF31-related condition. Last evaluated: 2025-10-26. Review status: criteria provided, single submitter. Criteria: ACMG Guidelines, 2015. Collection method: clinical testing. Allele origin: germline.
Comment: This variant is classified as likely benign based on ACMG/AMP sequence variant interpretation guidelines (Richards et al. 2015 PMID: 25741868, with internal and published modifications).